The following is an entry in ClinVar:

NM_015978.3(TNNI3K):c.325G>A (p.Val109Ile)

Genes: FPGT-TNNI3K (FPGT-TNNI3K readthrough; plus strand), TNNI3K (TNNI3 interacting kinase; plus strand). Cytogenetic location: 1p31.1.
Variant type: single nucleotide variant.
Coding change: c.325G>A on transcript NM_015978.3 (MANE Select); coding-DNA position 325, G replaced by A.
Protein change: p.Val109Ile; replaces valine 109 with isoleucine.
Molecular consequence: missense variant.
Genome position (GRCh38, 1-based): chr1:74,250,761, G>A. VCF-style: chr1-74250761-G-A. GRCh37 (hg19) VCF-style: chr1-74716445-G-A.
Other names: c.628G>A, p.Val210Ile (NM_001112808.3, NM_001199327.2); short protein forms V210I, V109I.
Identifiers: ClinVar variation 1448342 (VCV001448342.7), dbSNP rs774973228, ClinGen allele CA908851.
Genomic context (GRCh38, chr1:74,250,761, plus strand): 5'-TTGAAAGGGCTCCGCCCATCTCGACTGACAAGAAATGGATTTACAGCCTTGCATTTAGCA[G>A]TTTACAAGGTAGGACACTTTAATTCCCATAAACACTGCATTGGAACTAAGGATAGTGTGT-3'
Protein context (NP_057062.1, residues 99-119): RNGFTALHLA[Val109Ile]YKDNAELITS

ClinVar aggregate classification (germline): Uncertain significance. Review status: criteria provided, multiple submitters, no conflicts (2 of 4 stars). 2 submissions from 2 submitters: Uncertain significance (2). Last evaluated 2025-10-02.

Conditions:
Inborn genetic diseases. Identifiers: MedGen C0950123, MeSH D030342.

Allele frequency attached by ClinVar (database versions not stated): gnomAD exomes below 0.00001; ExAC 0.00001; gnomAD 0.00002; TOPMed 0.00002.
gnomAD v4.1: 12 of 1,586,618 alleles (0.00076%); highest among the groups gnomAD compares: Middle Eastern, 0.017%; no homozygotes.

Submissions (2):

Labcorp Genetics (formerly Invitae), Labcorp
Classification: Uncertain significance. Last evaluated: 2025-10-02. Review status: criteria provided, single submitter. Criteria: Invitae Variant Classification Sherloc (09022015). Collection method: clinical testing. Allele origin: germline.
Comment: This sequence change replaces valine, which is neutral and non-polar, with isoleucine, which is neutral and non-polar, at codon 109 of the TNNI3K protein (p.Val109Ile). The frequency data for this variant in the population databases is considered unreliable, as metrics indicate poor data quality at this position in the gnomAD database. This variant has not been reported in the literature in individuals affected with TNNI3K-related conditions. ClinVar contains an entry for this variant (Variation ID: 1448342). Invitae Evidence Modeling of protein sequence and biophysical properties (such as structural, functional, and spatial information, amino acid conservation, physicochemical variation, residue mobility, and thermodynamic stability) indicates that this missense variant is not expected to disrupt TNNI3K protein function with a negative predictive value of 80%. In summary, the available evidence is currently insufficient to determine the role of this variant in disease. Therefore, it has been classified as a Variant of Uncertain Significance.

Ambry Genetics
Classification: Uncertain significance for Inborn genetic diseases. Last evaluated: 2024-01-04. Review status: criteria provided, single submitter. Criteria: Ambry Variant Classification Scheme 2023. Collection method: clinical testing. Allele origin: germline.